The following is an entry in ClinVar:

ClinVar aggregate classification (germline): Pathogenic. Review status: criteria provided, multiple submitters, no conflicts (2 of 4 stars). 2 submissions from 2 submitters: Pathogenic (2). Last evaluated 2025-09-06.

Conditions:
Hereditary diffuse gastric adenocarcinoma (HDGC). Also called: DIFFUSE GASTRIC AND LOBULAR BREAST CANCER SYNDROME. Identifiers: Orphanet 26106, MedGen C1708349, MONDO:0007648, OMIM 137215.
Hereditary cancer-predisposing syndrome. Also called: Neoplastic Syndromes, Hereditary; Hereditary Cancer Syndrome; Tumor predisposition; Hereditary neoplastic syndrome. Identifiers: Orphanet 140162, MedGen C0027672, MeSH D009386, MONDO:0015356.

Submissions (2):

Ambry Genetics
Classification: Pathogenic for Hereditary cancer-predisposing syndrome. Last evaluated: 2025-09-06. Review status: criteria provided, single submitter. Criteria: Ambry Variant Classification Scheme 2023. Collection method: clinical testing. Allele origin: germline.
Comment: The c.1091_1092delCA pathogenic mutation, located in coding exon 8 of the CDH1 gene, results from a deletion of two nucleotides at nucleotide positions 1091 to 1092, causing a translational frameshift with a predicted alternate stop codon (p.T364Sfs*3). This variant is considered to be rare based on population cohorts in the Genome Aggregation Database (gnomAD). This alteration is expected to result in loss of function by premature protein truncation or nonsense-mediated mRNA decay. As such, this alteration is interpreted as a disease-causing mutation.

Myriad Genetics, Inc.
Classification: Pathogenic for Hereditary diffuse gastric adenocarcinoma. Last evaluated: 2023-06-12. Review status: criteria provided, single submitter. Criteria: Myriad Autosomal Dominant, Autosomal Recessive and X-Linked Classification Criteria (2023). Collection method: clinical testing. Allele origin: unknown.
Comment: This variant is considered pathogenic. This variant creates a frameshift predicted to result in premature protein truncation.

NM_004360.5(CDH1):c.1091_1092del (p.Thr364fs)

Gene: CDH1 (cadherin 1; plus strand). Cytogenetic location: 16q22.1.
Variant type: Microsatellite.
Coding change: c.1091_1092del on transcript NM_004360.5 (MANE Select); coding-DNA positions 1091 to 1092, 2 bases deleted (CA; older notation c.1091_1092delCA).
Protein change: p.Thr364fs; shifts the reading frame from threonine 364.
Molecular consequence: frameshift variant. On other transcripts: 5 prime UTR variant (2).
Genome position (GRCh38, 1-based): chr16:68,812,217-68,812,218, CA deleted; deleting any 2 consecutive bases within chr16:68,812,215-68,812,218 gives the same sequence; the c. name uses the placement nearest the transcript's 3' end. VCF-style (leftmost placement, unchanged base first): chr16-68812214-TCA-T. GRCh37 (hg19) VCF-style: chr16-68846117-TCA-T.
Other names: c.1091_1092del, p.Thr364fs (NM_001317184.2); c.-527CA[1] (NM_001317185.2); c.-731CA[1] (NM_001317186.2); c.1091_1092delCA (NM_004360.3); c.1089_1090CA[1], p.Thr364Serfs (NM_004360.3); short protein forms T364fs.
Identifiers: ClinVar variation 2583389 (VCV002583389.3), dbSNP rs2543924371, ClinGen allele CA2582342574.